The following is an entry in ClinVar:

ClinVar aggregate classification (germline): Pathogenic (1 of 4 stars; one submission).

Conditions:
Congenital glaucoma. Identifiers: MedGen C0020302, MONDO:0020366.

Submission:

Labcorp Genetics (formerly Invitae), Labcorp
Classification: Pathogenic for Congenital glaucoma. Last evaluated: 2023-09-28. Review status: criteria provided, single submitter. Criteria: Invitae Variant Classification Sherloc (09022015). Collection method: clinical testing. Allele origin: germline.
Comment: This sequence change creates a premature translational stop signal (p.His279Profs*5) in the CYP1B1 gene. It is expected to result in an absent or disrupted protein product. Loss-of-function variants in CYP1B1 are known to be pathogenic (PMID: 9097971, 9497261, 19234632). This variant is not present in population databases (gnomAD no frequency). This variant has not been reported in the literature in individuals affected with CYP1B1-related conditions. For these reasons, this variant has been classified as Pathogenic.

Literature cited by the submitters: PubMed 9097971; PubMed 9497261; PubMed 19234632.

NM_000104.4(CYP1B1):c.836_863del (p.His279fs)

Gene: CYP1B1 (cytochrome P450 family 1 subfamily B member 1; minus strand). Cytogenetic location: 2p22.2.
Variant type: Deletion.
Coding change: c.836_863del on transcript NM_000104.4 (MANE Select); coding-DNA positions 836 to 863, 28 bases deleted (ACTGCGAAAGCCTTCGGCCCGGGGCCGC).
Protein change: p.His279fs; shifts the reading frame from histidine 279.
Molecular consequence: frameshift variant.
Genome position (GRCh38, 1-based): chr2:38,074,526-38,074,553, GCGGCCCCGGGCCGAAGGCTTTCGCAGT deleted on the plus strand (ACTGCGAAAGCCTTCGGCCCGGGGCCGC on the coding strand, the reverse complement: CYP1B1 is on the minus strand); deleting any 28 consecutive bases within chr2:38,074,526-38,074,555 gives the same sequence; the c. name uses the placement nearest the transcript's 3' end. VCF-style (leftmost placement, unchanged base first): chr2-38074525-GGCGGCCCCGGGCCGAAGGCTTTCGCAGT-G. GRCh37 (hg19) VCF-style: chr2-38301668-GGCGGCCCCGGGCCGAAGGCTTTCGCAGT-G.
Other names: short protein forms H279fs.
Identifiers: ClinVar variation 2764029 (VCV002764029.3), dbSNP rs1201057731, ClinGen allele CA768464064.